The following is an entry in ClinVar:

ClinVar aggregate classification (germline): Uncertain significance (1 of 4 stars; one submission).

Allele frequency attached by ClinVar (database versions not stated): gnomAD 0.00001; gnomAD exomes 0.00001; TOPMed 0.00002.
gnomAD v4.1: 4 of 1,613,888 alleles (0.00025%); highest among the groups gnomAD compares: Admixed American, 0.0067%; no homozygotes.

Submission:

Labcorp Genetics (formerly Invitae), Labcorp
Classification: Uncertain significance. Last evaluated: 2024-08-15. Review status: criteria provided, single submitter. Criteria: Invitae Variant Classification Sherloc (09022015). Collection method: clinical testing. Allele origin: germline.
Comment: This sequence change replaces methionine, which is neutral and non-polar, with leucine, which is neutral and non-polar, at codon 438 of the MICAL1 protein (p.Met438Leu). This variant is present in population databases (no rsID available, gnomAD 0.009%). This variant has not been reported in the literature in individuals affected with MICAL1-related conditions. ClinVar contains an entry for this variant (Variation ID: 1499142). An algorithm developed to predict the effect of missense changes on protein structure and function (PolyPhen-2) suggests that this variant is likely to be disruptive. In summary, the available evidence is currently insufficient to determine the role of this variant in disease. Therefore, it has been classified as a Variant of Uncertain Significance.

NM_022765.4(MICAL1):c.1255A>C (p.Met419Leu)

Gene: MICAL1 (microtubule associated monooxygenase, calponin and LIM domain containing 1; minus strand). Cytogenetic location: 6q21.
Variant type: single nucleotide variant.
Coding change: c.1255A>C on transcript NM_022765.4 (MANE Select); coding-DNA position 1255, A replaced by C.
Protein change: p.Met419Leu; replaces methionine 419 with leucine.
Molecular consequence: missense variant.
Genome position (GRCh38, 1-based): chr6:109,450,022, T>G on the plus strand (A>C on the coding strand, the complement: MICAL1 is on the minus strand). VCF-style: chr6-109450022-T-G. GRCh37 (hg19) VCF-style: chr6-109771225-T-G.
Other names: c.997A>C, p.Met333Leu (NM_001159291.2); c.1312A>C, p.Met438Leu (NM_001286613.2); short protein forms M333L, M438L, M419L.
Identifiers: ClinVar variation 1499142 (VCV001499142.6), dbSNP rs1325702028, ClinGen allele CA365230551.
Genomic context (GRCh38, chr6:109,450,022, plus strand): 5'-GGTCTTACCGCTCAGCCAACACCTCTAGGGACTCAGCGCCCTCTGCCCACCGCTTCACCA[T>G]CCAGGCTGCATCAAAGGCTGCCAGGAAGCCCCGTGCCACTCCAGTGCCCAGGGGCCAGAA-3'
Protein context (NP_073602.3, residues 409-429): GFLAAFDAAW[Met419Leu]VKRWAEGAES